The following is an entry in ClinVar:

NM_005228.5(EGFR):c.3308G>C (p.Gly1103Ala)

Gene: EGFR (epidermal growth factor receptor; plus strand). Cytogenetic location: 7p11.2.
Variant type: single nucleotide variant.
Coding change: c.3308G>C on transcript NM_005228.5 (MANE Select); coding-DNA position 3308, G replaced by C.
Protein change: p.Gly1103Ala; replaces glycine 1103 with alanine.
Molecular consequence: missense variant.
Genome position (GRCh38, 1-based): chr7:55,205,292, G>C. VCF-style: chr7-55205292-G-C. GRCh37 (hg19) VCF-style: chr7-55272985-G-C.
Other names: c.3173G>C, p.Gly1058Ala (NM_001346899.2); c.3149G>C, p.Gly1050Ala (NM_001346900.2); c.2507G>C, p.Gly836Ala (NM_001346941.2); short protein forms G1050A, G1058A, G1103A, G836A.
Identifiers: ClinVar variation 4638590 (VCV004638590.1).

ClinVar aggregate classification (germline): Uncertain significance (1 of 4 stars; one submission).

Conditions:
Hereditary cancer-predisposing syndrome. Also called: Neoplastic Syndromes, Hereditary; Tumor predisposition; Hereditary Cancer Syndrome; Hereditary neoplastic syndrome. Identifiers: Orphanet 140162, MedGen C0027672, MeSH D009386, MONDO:0015356.

Submission:

Ambry Genetics
Classification: Uncertain significance for Hereditary cancer-predisposing syndrome. Last evaluated: 2025-09-27. Review status: criteria provided, single submitter. Criteria: Ambry Variant Classification Scheme 2023. Collection method: clinical testing. Allele origin: germline.
Comment: The p.G1103A variant (also known as c.3308G>C), located in coding exon 28 of the EGFR gene, results from a G to C substitution at nucleotide position 3308. The glycine at codon 1103 is replaced by alanine, an amino acid with similar properties. This amino acid position is conserved. In addition, this alteration is predicted to be tolerated by in silico analysis. Based on the available evidence, the clinical significance of this variant remains unclear.